The following is an entry in ClinVar:

NM_001374385.1(ATP8B1):c.941-1G>A

Genes: ATP8B1 (ATPase phospholipid transporting 8B1; minus strand), LOC126862761 (CDK7 strongly-dependent group 2 enhancer GRCh37_chr18:55360919-55362118; plus strand). Cytogenetic location: 18q21.31.
Variant type: single nucleotide variant.
Coding change: c.941-1G>A on transcript NM_001374385.1 (MANE Select); the canonical splice acceptor site of the intron before coding-DNA position 941, G replaced by A.
Molecular consequence: splice acceptor variant.
Genome position (GRCh38, 1-based): chr18:57,694,671, C>T on the plus strand (G>A on the coding strand, the complement: ATP8B1 is on the minus strand). VCF-style: chr18-57694671-C-T. GRCh37 (hg19) VCF-style: chr18-55361903-C-T.
Other names: c.941-1G>A (NM_005603.6); c.791-1G>A (NM_001374386.1).
Identifiers: ClinVar variation 3357209 (VCV003357209.2).

ClinVar aggregate classification (germline): Likely pathogenic. Review status: criteria provided, single submitter (1 of 4 stars). 2 submissions from 2 submitters: Likely pathogenic (1). 1 of the submissions does not count toward it. Last evaluated 2026-04-14.

Conditions:
ATP8B1-related disorder. Also called: ATP8B1-related condition; ATP8B1-related disorders.
Familial intrahepatic cholestasis. Identifiers: Orphanet 284385, MedGen CN296401, MONDO:0017290.

gnomAD v4.1: 3 of 1,569,360 alleles (0.00019%); highest among the groups gnomAD compares: Non-Finnish European, 0.00026%; no homozygotes.

Submissions (2):

Genomenon, Inc
Classification: Likely pathogenic for Familial intrahepatic cholestasis. Last evaluated: 2026-04-14. Review status: criteria provided, single submitter. Criteria: Genomenon Sequence Variant Interpretation Standards - Updated. Collection method: curation. Allele origin: germline. Affected: no.
Comment: ATP8B1 c.941-1G>A is a canonical splice variant affecting the acceptor splice site of intron 10. To our knowledge, this variant has not been reported in patients affected with ATP8B1-deficiency in the published literature. At least one splicing study demonstrated this variant results in aberrant splicing (PMID:25421123). It is absent or not present at a significant frequency in gnomAD. In conclusion, we classify ATP8B1 c.941-1G>A as a likely pathogenic variant.

PreventionGenetics, part of Exact Sciences
Classification: Likely pathogenic for ATP8B1-related condition. Last evaluated: 2024-03-19. Review status: no assertion criteria provided. Collection method: clinical testing. Allele origin: germline. Not counted in ClinVar's aggregate classification.
Comment: The ATP8B1 c.941-1G>A variant is predicted to disrupt the AG splice acceptor site and interfere with normal splicing. To our knowledge, this variant has not been reported in the literature or in a large population database, indicating this variant is rare. Variants that disrupt the consensus splice acceptor site in ATP8B1 are expected to be pathogenic. This variant is interpreted as likely pathogenic.

Literature cited by the submitters: PubMed 25421123 (cited by Genomenon, Inc).